The following is an entry in ClinVar:

ClinVar aggregate classification (germline): Likely benign (1 of 4 stars; one submission).

gnomAD v4.1: 4 of 1,613,344 alleles (0.00025%); highest among the groups gnomAD compares: Admixed American, 0.005%; no homozygotes.

Submission:

CeGaT Center for Human Genetics Tuebingen
Classification: Likely benign. Last evaluated: 2026-09-01. Review status: criteria provided, single submitter. Criteria: CeGaT Center For Human Genetics Tuebingen Variant Classification Criteria Version 2. Collection method: clinical testing. Allele origin: germline. Affected: yes. Observed: 1 variant allele.
Comment: CASP2: BP4, BP7

NM_032982.4(CASP2):c.30C>A (p.Ser10=)

Genes: CASP2 (caspase 2; plus strand), LOC129999515 (ATAC-STARR-seq lymphoblastoid silent region 18720; plus strand). Cytogenetic location: 7q34.
Variant type: single nucleotide variant.
Coding change: c.30C>A on transcript NM_032982.4 (MANE Select); coding-DNA position 30, C replaced by A.
Protein change: p.Ser10=; no amino-acid change (serine 10 retained).
Molecular consequence: synonymous variant.
Genome position (GRCh38, 1-based): chr7:143,288,485, C>A. VCF-style: chr7-143288485-C-A. GRCh37 (hg19) VCF-style: chr7-142985578-C-A.
Other names: c.30C>A, p.Ser10= (NM_032983.4).
Identifiers: ClinVar variation 5041778 (VCV005041778.1).